The following is an entry in ClinVar:

ClinVar aggregate classification (germline): Uncertain significance (1 of 4 stars; one submission).

Conditions:
Hypertrophic cardiomyopathy. Also called: HYPERTROPHIC MYOCARDIOPATHY. Identifiers: Orphanet 217569, MedGen C0007194, MeSH D002312, MONDO:0005045, HP:0001639.

Allele frequency attached by ClinVar (database versions not stated): gnomAD exomes below 0.00001 and 0.00001; ExAC 0.00001.
gnomAD v4.1: 4 of 1,613,880 alleles (0.00025%); highest among the groups gnomAD compares: Admixed American, 0.0033%; no homozygotes.

Submission:

Labcorp Genetics (formerly Invitae), Labcorp
Classification: Uncertain significance for Hypertrophic cardiomyopathy. Last evaluated: 2025-08-14. Review status: criteria provided, single submitter. Criteria: Invitae Variant Classification Sherloc (09022015). Collection method: clinical testing. Allele origin: germline.
Comment: This sequence change replaces glutamic acid, which is acidic and polar, with glycine, which is neutral and non-polar, at codon 1455 of the MYH7 protein (p.Glu1455Gly). This variant is present in population databases (rs771377530, gnomAD 0.006%). This variant has not been reported in the literature in individuals affected with MYH7-related conditions. ClinVar contains an entry for this variant (Variation ID: 1374070). Invitae Evidence Modeling of protein sequence and biophysical properties (such as structural, functional, and spatial information, amino acid conservation, physicochemical variation, residue mobility, and thermodynamic stability) indicates that this missense variant is expected to disrupt MYH7 protein function with a positive predictive value of 95%. In summary, the available evidence is currently insufficient to determine the role of this variant in disease. Therefore, it has been classified as a Variant of Uncertain Significance.

NM_000257.4(MYH7):c.4364A>G (p.Glu1455Gly)

Genes: MHRT (myosin heavy chain associated RNA transcript; plus strand), MYH7 (myosin heavy chain 7; minus strand). Cytogenetic location: 14q11.2.
Variant type: single nucleotide variant.
Coding change: c.4364A>G on transcript NM_000257.4 (MANE Select); coding-DNA position 4364, A replaced by G.
Protein change: p.Glu1455Gly; replaces glutamic acid 1455 with glycine.
Molecular consequence: missense variant. On other transcripts: non-coding transcript variant (1).
Genome position (GRCh38, 1-based): chr14:23,417,308, T>C on the plus strand (A>G on the coding strand, the complement: MYH7 is on the minus strand). VCF-style: chr14-23417308-T-C. GRCh37 (hg19) VCF-style: chr14-23886517-T-C.
Other names: short protein forms E1455G.
Identifiers: ClinVar variation 1374070 (VCV001374070.6), dbSNP rs771377530, ClinGen allele CA042046.
Genomic context (GRCh38, chr14:23,417,308, plus strand): 5'-CGAGCCTCCTTCTGCGAGGACTCCAGCTCCGACTGCGACTCCTCATACTTCTGCTTCCAC[T>C]CGGCCAGGATCTGCCCGGGGACAAGGCTCACTCTTCAGCCCCCCAGCCTCAGCCCCATGT-3'
Protein context (NP_000248.2, residues 1445-1465): KQRNFDKILA[Glu1455Gly]WKQKYEESQS